The following is an entry in ClinVar:

ClinVar aggregate classification (germline): Uncertain significance. Review status: criteria provided, multiple submitters, no conflicts (2 of 4 stars). 2 submissions from 2 submitters: Uncertain significance (2). Last evaluated 2023-12-13.

Conditions:
Inborn genetic diseases. Identifiers: MedGen C0950123, MeSH D030342.

Allele frequency attached by ClinVar (database versions not stated): gnomAD 0.00001; gnomAD exomes 0.00001 and 0.00003; TOPMed 0.00001; ExAC 0.00002.
gnomAD v4.1: 38 of 1,614,060 alleles (0.0024%); highest among the groups gnomAD compares: Non-Finnish European, 0.0031%; no homozygotes.

Submissions (2):

Ambry Genetics
Classification: Uncertain significance for Inborn genetic diseases. Last evaluated: 2023-12-13. Review status: criteria provided, single submitter. Criteria: Ambry Variant Classification Scheme 2023. Collection method: clinical testing. Allele origin: germline.

Labcorp Genetics (formerly Invitae), Labcorp
Classification: Uncertain significance. Last evaluated: 2022-10-24. Review status: criteria provided, single submitter. Criteria: Invitae Variant Classification Sherloc (09022015). Collection method: clinical testing. Allele origin: germline.
Comment: In summary, the available evidence is currently insufficient to determine the role of this variant in disease. Therefore, it has been classified as a Variant of Uncertain Significance. This sequence change replaces serine, which is neutral and polar, with glycine, which is neutral and non-polar, at codon 465 of the TRAK1 protein (p.Ser465Gly). This variant is present in population databases (rs775662613, gnomAD 0.003%). This variant has not been reported in the literature in individuals affected with TRAK1-related conditions. ClinVar contains an entry for this variant (Variation ID: 1428296). Algorithms developed to predict the effect of missense changes on protein structure and function (SIFT, PolyPhen-2, Align-GVGD) all suggest that this variant is likely to be tolerated.

NM_001042646.3(TRAK1):c.1393A>G (p.Ser465Gly)

Gene: TRAK1 (trafficking kinesin protein 1; plus strand). Cytogenetic location: 3p22.1.
Variant type: single nucleotide variant.
Coding change: c.1393A>G on transcript NM_001042646.3 (MANE Select); coding-DNA position 1393, A replaced by G.
Protein change: p.Ser465Gly; replaces serine 465 with glycine.
Molecular consequence: missense variant. On other transcripts: non-coding transcript variant (1).
Genome position (GRCh38, 1-based): chr3:42,201,020, A>G. VCF-style: chr3-42201020-A-G. GRCh37 (hg19) VCF-style: chr3-42242512-A-G.
Other names: c.1393A>G (NM_001042646.1); c.1393A>G, p.Ser465Gly (NM_001265608.2, NM_001349246.2, NM_001349247.2); c.1171A>G, p.Ser391Gly (NM_001265609.2, NM_001265610.1, NM_001349248.1 and 1 more transcripts); c.1081A>G, p.Ser361Gly (NM_001349245.1); c.1219A>G, p.Ser407Gly (NM_014965.5); short protein forms S361G, S407G, S391G, S465G.
Identifiers: ClinVar variation 1428296 (VCV001428296.7), dbSNP rs775662613, ClinGen allele CA2333468.
Genomic context (GRCh38, chr3:42,201,020, plus strand): 5'-CCCCGGTCCAGCTTCTACGGCAGCGACATAGGCAACGTCGTCCTCGACAACAAGACCAAC[A>G]GCATCATTCTGGAAACAGAGGCAGCCGACCTGGGGTGAGCAAGCTGGGAGTTTTCACTTC-3'
Protein context (NP_001036111.1, residues 455-475): GNVVLDNKTN[Ser465Gly]IILETEAADL